The following is an entry in ClinVar:

ClinVar aggregate classification (germline): Uncertain significance (1 of 4 stars; one submission).

Submission:

GeneDx
Classification: Uncertain significance. Last evaluated: 2026-02-01. Review status: criteria provided, single submitter. Criteria: GeneDx Variant Classification Process June 2021. Collection method: clinical testing. Allele origin: germline.
Comment: Not observed at significant frequency in large population cohorts (gnomAD); In silico analysis suggests that this missense variant does not alter protein structure/function; Has not been previously published as pathogenic or benign to our knowledge

NM_015001.3(SPEN):c.9772G>T (p.Ala3258Ser)

Gene: SPEN (spen family transcriptional repressor; plus strand). Cytogenetic location: 1p36.13.
Variant type: single nucleotide variant.
Coding change: c.9772G>T on transcript NM_015001.3 (MANE Select); coding-DNA position 9772, G replaced by T.
Protein change: p.Ala3258Ser; replaces alanine 3258 with serine.
Molecular consequence: missense variant.
Genome position (GRCh38, 1-based): chr1:15,936,012, G>T. VCF-style: chr1-15936012-G-T. GRCh37 (hg19) VCF-style: chr1-16262507-G-T.
Other names: short protein forms A3258S.
Identifiers: ClinVar variation 4975886 (VCV004975886.1).
Genomic context (GRCh38, chr1:15,936,012, plus strand): 5'-GATGCCAAAGCTGCCCCCACCCCCACCCCTGCCCCCGTCCCTGTCCCTGTCCCCCTTCCT[G>T]CCCCTGCTCCTGCCCCTCATGGTGAGGCCCGTATCCTCACAGTTACCCCCAGTAACCAAC-3'
Protein context (NP_055816.2, residues 3248-3268): APVPVPVPLP[Ala3258Ser]PAPAPHGEAR